The following is an entry in ClinVar:

ClinVar aggregate classification (germline): Conflicting classifications of pathogenicity. Review status: criteria provided, conflicting classifications (1 of 4 stars). 2 submissions from 2 submitters: Uncertain significance (1); Likely benign (1). Last evaluated 2026-01-12.

Conditions:
Hypertrophic osteoarthropathy, primary, autosomal recessive, 2 (PHOAR2E). Also called: PACHYDERMOPERIOSTOSIS, AUTOSOMAL RECESSIVE; PDP, AUTOSOMAL RECESSIVE; PHOAR2-enteropathy syndrome; HYPERTROPHIC OSTEOARTHROPATHY, PRIMARY, AUTOSOMAL RECESSIVE, 2/ENTEROPATHY SYNDROME. Identifiers: Orphanet 2796, MedGen C3280800, MONDO:0013756, OMIM 614441.

Allele frequency attached by ClinVar (database versions not stated): ESP Exome Variant Server 0.00100; 1000 Genomes Project 0.00160; gnomAD 0.00119 and 0.00130; TOPMed 0.00131; 1000 Genomes Project 30x 0.00156.
gnomAD v4.1: 324 of 1,614,192 alleles (0.02%); highest among the groups gnomAD compares: African/African-American, 0.38%; no homozygotes.

Submissions (2):

Labcorp Genetics (formerly Invitae), Labcorp
Classification: Likely benign. Last evaluated: 2026-01-12. Review status: criteria provided, single submitter. Criteria: Invitae Variant Classification Sherloc (09022015). Collection method: clinical testing. Allele origin: germline.

Baylor Genetics
Classification: Uncertain significance for Hypertrophic osteoarthropathy, primary, autosomal recessive, 2. Last evaluated: 2018-11-14. Review status: criteria provided, single submitter. Criteria: ACMG Guidelines, 2015. Collection method: clinical testing. Allele origin: unknown. Affected: yes.
Comment: This variant was determined to be of uncertain significance according to ACMG Guidelines, 2015 [PMID:25741868].

NM_005630.3(SLCO2A1):c.484C>G (p.Pro162Ala)

Gene: SLCO2A1 (solute carrier organic anion transporter family member 2A1; minus strand). Cytogenetic location: 3q22.1.
Variant type: single nucleotide variant.
Coding change: c.484C>G on transcript NM_005630.3 (MANE Select); coding-DNA position 484, C replaced by G.
Protein change: p.Pro162Ala; replaces proline 162 with alanine.
Molecular consequence: missense variant.
Genome position (GRCh38, 1-based): chr3:133,955,107, G>C on the plus strand (C>G on the coding strand, the complement: SLCO2A1 is on the minus strand). VCF-style: chr3-133955107-G-C. GRCh37 (hg19) VCF-style: chr3-133673951-G-C.
Other names: short protein forms P162A.
Identifiers: ClinVar variation 727669 (VCV000727669.10), dbSNP rs140769111, ClinGen allele CA2626811.